The following is an entry in ClinVar:

NM_001378452.1(ITPR1):c.4017G>A (p.Met1339Ile)

Gene: ITPR1 (inositol 1,4,5-trisphosphate receptor type 1; plus strand). Cytogenetic location: 3p26.1.
Variant type: single nucleotide variant.
Coding change: c.4017G>A on transcript NM_001378452.1 (MANE Select); coding-DNA position 4017, G replaced by A.
Protein change: p.Met1339Ile; replaces methionine 1339 with isoleucine.
Molecular consequence: missense variant.
Genome position (GRCh38, 1-based): chr3:4,691,332, G>A. VCF-style: chr3-4691332-G-A. GRCh37 (hg19) VCF-style: chr3-4733016-G-A.
Other names: c.3990G>A, p.Met1330Ile (NM_001099952.4); c.3972G>A, p.Met1324Ile (NM_001168272.2); c.3945G>A, p.Met1315Ile (NM_002222.7); short protein forms M1330I, M1315I, M1324I, M1339I.
Identifiers: ClinVar variation 2265299 (VCV002265299.3), dbSNP rs2469819232, ClinGen allele CA351631051.
Genomic context (GRCh38, chr3:4,691,332, plus strand): 5'-AAAGTTCTTACAGACAATTGTCAAGGCAGAAGGGAAATTTATTAAAAAATGCCAAGACAT[G>A]GTTATGGCCGAGGTGATTGTTATATATTTCTGTATACCTCCATCTGGTGTTCTGTAGAAA-3'
Protein context (NP_001365381.1, residues 1329-1349): EGKFIKKCQD[Met1339Ile]VMAELVNSGE

ClinVar aggregate classification (germline): Uncertain significance. Review status: criteria provided, multiple submitters, no conflicts (2 of 4 stars). 2 submissions from 2 submitters: Uncertain significance (2). Last evaluated 2025-08-04.

Conditions:
Inborn genetic diseases. Identifiers: MedGen C0950123, MeSH D030342.

Allele frequency attached by ClinVar (database versions not stated): gnomAD exomes below 0.00001.

Submissions (2):

Labcorp Genetics (formerly Invitae), Labcorp
Classification: Uncertain significance. Last evaluated: 2025-08-04. Review status: criteria provided, single submitter. Criteria: Invitae Variant Classification Sherloc (09022015). Collection method: clinical testing. Allele origin: germline.
Comment: This sequence change replaces methionine, which is neutral and non-polar, with isoleucine, which is neutral and non-polar, at codon 1315 of the ITPR1 protein (p.Met1315Ile). This variant is not present in population databases (gnomAD no frequency). This variant has not been reported in the literature in individuals affected with ITPR1-related conditions. ClinVar contains an entry for this variant (Variation ID: 2265299). Invitae Evidence Modeling of protein sequence and biophysical properties (such as structural, functional, and spatial information, amino acid conservation, physicochemical variation, residue mobility, and thermodynamic stability) indicates that this missense variant is not expected to disrupt ITPR1 protein function with a negative predictive value of 95%. In summary, the available evidence is currently insufficient to determine the role of this variant in disease. Therefore, it has been classified as a Variant of Uncertain Significance.

Ambry Genetics
Classification: Uncertain significance for Inborn genetic diseases. Last evaluated: 2021-12-06. Review status: criteria provided, single submitter. Criteria: Ambry Variant Classification Scheme 2023. Collection method: clinical testing. Allele origin: germline.